The following is an entry in ClinVar:

NM_000038.6(APC):c.6809C>A (p.Ser2270Tyr)

Gene: APC (APC regulator of Wnt signaling pathway; plus strand). Cytogenetic location: 5q22.2.
Variant type: single nucleotide variant.
Coding change: c.6809C>A on transcript NM_000038.6 (MANE Select); coding-DNA position 6809, C replaced by A.
Protein change: p.Ser2270Tyr; replaces serine 2270 with tyrosine.
Molecular consequence: missense variant.
Genome position (GRCh38, 1-based): chr5:112,842,403, C>A. VCF-style: chr5-112842403-C-A. GRCh37 (hg19) VCF-style: chr5-112178100-C-A.
Other names: c.6809C>A, p.Ser2270Tyr (NM_001127510.3, NM_001354895.2); c.6755C>A, p.Ser2252Tyr (NM_001127511.3); c.6863C>A, p.Ser2288Tyr (NM_001354896.2); c.6839C>A, p.Ser2280Tyr (NM_001354897.2); c.6734C>A, p.Ser2245Tyr (NM_001354898.2); c.6725C>A, p.Ser2242Tyr (NM_001354899.2); c.6686C>A, p.Ser2229Tyr (NM_001354900.2); c.6632C>A, p.Ser2211Tyr (NM_001354901.2); and 5 more; short protein forms S2169Y, S2245Y, S2270Y, S2288Y, S2110Y, S2144Y, S2179Y, S2242Y.
Identifiers: ClinVar variation 647826 (VCV000647826.15), dbSNP rs878853466, ClinGen allele CA16036200.

ClinVar aggregate classification (germline): Uncertain significance. Review status: criteria provided, multiple submitters, no conflicts (2 of 4 stars). 3 submissions from 3 submitters: Uncertain significance (3). Last evaluated 2024-07-09.

Conditions:
Classic or attenuated familial adenomatous polyposis. Identifiers: MedGen CN372698, MONDO:0021057.
Familial adenomatous polyposis 1 (FAP1). Also called: FAMILIAL ADENOMATOUS POLYPOSIS 1, ATTENUATED; POLYPOSIS, ADENOMATOUS INTESTINAL. Identifiers: MedGen C2713442, MONDO:0021056, OMIM 175100. Disease mechanism: loss of function.
Hereditary cancer-predisposing syndrome. Also called: Hereditary Cancer Syndrome; Tumor predisposition; Hereditary neoplastic syndrome; Neoplastic Syndromes, Hereditary. Identifiers: Orphanet 140162, MedGen C0027672, MeSH D009386, MONDO:0015356.

Submissions (3):

Color Diagnostics, LLC DBA Color Health
Classification: Uncertain significance for Hereditary cancer-predisposing syndrome. Last evaluated: 2024-07-09. Review status: criteria provided, single submitter. Criteria: ACMG Guidelines, 2015. Collection method: clinical testing. Allele origin: germline.
Comment: This missense variant replaces serine with tyrosine at codon 2270 of the APC protein. Computational prediction is inconclusive regarding the impact of this variant on protein structure and function. To our knowledge, functional studies have not been reported for this variant. This variant has not been reported in individuals affected with APC-related disorders in the literature. This variant has not been identified in the general population by the Genome Aggregation Database (gnomAD). The available evidence is insufficient to determine the role of this variant in disease conclusively. Therefore, this variant is classified as a Variant of Uncertain Significance.

All of Us Research Program, National Institutes of Health
Classification: Uncertain significance for Classic or attenuated familial adenomatous polyposis. Last evaluated: 2024-03-05. Review status: criteria provided, single submitter. Criteria: ACMG Guidelines, 2015. Collection method: clinical testing. Allele origin: germline. Inheritance: Autosomal dominant inheritance. Observed: 2 variant alleles, 2 heterozygotes.
Comment: This study involves interpretation of variants in research participants for the purpose of population health screening. Participant phenotype was not available at the time of variant classification. Additional details can be found in publication PMID: 35346344, PMCID: PMC8962531

Labcorp Genetics (formerly Invitae), Labcorp
Classification: Uncertain significance for Familial adenomatous polyposis 1. Last evaluated: 2023-02-20. Review status: criteria provided, single submitter. Criteria: Invitae Variant Classification Sherloc (09022015). Collection method: clinical testing. Allele origin: germline.
Comment: In summary, the available evidence is currently insufficient to determine the role of this variant in disease. Therefore, it has been classified as a Variant of Uncertain Significance. Advanced modeling of protein sequence and biophysical properties (such as structural, functional, and spatial information, amino acid conservation, physicochemical variation, residue mobility, and thermodynamic stability) performed at Invitae indicates that this missense variant is not expected to disrupt APC protein function. ClinVar contains an entry for this variant (Variation ID: 647826). This variant has not been reported in the literature in individuals affected with APC-related conditions. This variant is not present in population databases (gnomAD no frequency). This sequence change replaces serine, which is neutral and polar, with tyrosine, which is neutral and polar, at codon 2270 of the APC protein (p.Ser2270Tyr).